The following is an entry in ClinVar:

NM_000256.3(MYBPC3):c.2995-9T>A

Gene: MYBPC3 (myosin binding protein C3; minus strand). Cytogenetic location: 11p11.2.
Variant type: single nucleotide variant.
Coding change: c.2995-9T>A on transcript NM_000256.3 (MANE Select); 9 bases into the intron before coding-DNA position 2995, T replaced by A.
Molecular consequence: intron variant.
Genome position (GRCh38, 1-based): chr11:47,333,761, A>T on the plus strand (T>A on the coding strand, the complement: MYBPC3 is on the minus strand). VCF-style: chr11-47333761-A-T. GRCh37 (hg19) VCF-style: chr11-47355312-A-T.
Identifiers: ClinVar variation 923757 (VCV000923757.7), dbSNP rs1243985803, ClinGen allele CA599374172.

ClinVar aggregate classification (germline): Conflicting classifications of pathogenicity. Review status: criteria provided, conflicting classifications (1 of 4 stars). 2 submissions from 2 submitters: Uncertain significance (1); Likely benign (1). Last evaluated 2022-02-23.

Conditions:
Hypertrophic cardiomyopathy. Also called: HYPERTROPHIC MYOCARDIOPATHY. Identifiers: Orphanet 217569, MedGen C0007194, MeSH D002312, MONDO:0005045, HP:0001639.
Cardiomyopathy (CMYO). Also called: Cardiomyopathies. Identifiers: Orphanet 167848, MedGen C0878544, MONDO:0004994, HP:0001638. Inheritance: Various modes of inheritance.

Allele frequency attached by ClinVar (database versions not stated): gnomAD exomes below 0.00001.
gnomAD v4.1: 5 of 1,585,476 alleles (0.00032%); highest among the groups gnomAD compares: Non-Finnish European, 0.00043%; no homozygotes.

Submissions (2):

Labcorp Genetics (formerly Invitae), Labcorp
Classification: Likely benign for Hypertrophic cardiomyopathy. Last evaluated: 2022-02-23. Review status: criteria provided, single submitter. Criteria: Invitae Variant Classification Sherloc (09022015). Collection method: clinical testing. Allele origin: germline.

Color Diagnostics, LLC DBA Color Health
Classification: Uncertain significance for Cardiomyopathy. Last evaluated: 2020-01-23. Review status: criteria provided, single submitter. Criteria: ACMG Guidelines, 2015. Collection method: clinical testing. Allele origin: germline.
Comment: This variant causes a T>A nucleotide substitution at the -9 position of intron 28 of the MYBPC3 gene. Splice site prediction tools are inconclusive regarding the impact of this variant on RNA splicing. To our knowledge, functional studies have not been performed for this variant. This variant has not been reported in individuals affected with cardiovascular disorders in the literature. This variant has not been identified in the general population by the Genome Aggregation Database (gnomAD). The available evidence is insufficient to determine the role of this variant in disease conclusively. Therefore, this variant is classified as a Variant of Uncertain Significance.